The following is an entry in ClinVar:

ClinVar aggregate classification (germline): Likely benign (1 of 4 stars; one submission).

Conditions:
ABCC12-related condition.

Submission:

PreventionGenetics, part of Exact Sciences
Classification: Likely benign for ABCC12-related condition. Last evaluated: 2026-08-05. Review status: criteria provided, single submitter. Criteria: ACMG Guidelines, 2015. Collection method: clinical testing. Allele origin: germline.
Comment: This variant is classified as likely benign based on ACMG/AMP sequence variant interpretation guidelines (Richards et al. 2015 PMID: 25741868, with internal and published modifications).

NM_001393797.1(ABCC12):c.2220A>G (p.Pro740=)

Gene: ABCC12 (ATP binding cassette subfamily C member 12; minus strand). Cytogenetic location: 16q12.1.
Variant type: single nucleotide variant.
Coding change: c.2220A>G on transcript NM_001393797.1 (MANE Select); coding-DNA position 2220, A replaced by G.
Protein change: p.Pro740=; no amino-acid change (proline 740 retained).
Molecular consequence: synonymous variant. On other transcripts: non-coding transcript variant (5).
Genome position (GRCh38, 1-based): chr16:48,111,497, T>C on the plus strand (A>G on the coding strand, the complement: ABCC12 is on the minus strand). VCF-style: chr16-48111497-T-C. GRCh37 (hg19) VCF-style: chr16-48145408-T-C.
Other names: c.2220A>G, p.Pro740= (NM_033226.3).
Identifiers: ClinVar variation 4985300 (VCV004985300.1).